The following is an entry in ClinVar:

NM_152564.5(VPS13B):c.7847C>T (p.Thr2616Ile)

Gene: VPS13B (vacuolar protein sorting 13 homolog B; plus strand). Cytogenetic location: 8q22.2.
Variant type: single nucleotide variant.
Coding change: c.7847C>T on transcript NM_152564.5 (MANE Select); coding-DNA position 7847, C replaced by T.
Protein change: p.Thr2616Ile; replaces threonine 2616 with isoleucine.
Molecular consequence: missense variant.
Genome position (GRCh38, 1-based): chr8:99,784,382, C>T. VCF-style: chr8-99784382-C-T. GRCh37 (hg19) VCF-style: chr8-100796610-C-T.
Other names: c.7922C>T, p.Thr2641Ile (NM_017890.5); short protein forms T2616I, T2641I.
Identifiers: ClinVar variation 1348728 (VCV001348728.36), dbSNP rs1812159282, ClinGen allele CA371766559.

ClinVar aggregate classification (germline): Uncertain significance. Review status: criteria provided, multiple submitters, no conflicts (2 of 4 stars). 2 submissions from 2 submitters: Uncertain significance (2). Last evaluated 2022-11-29.

Conditions:
Cohen syndrome (COH1). Also called: PEPPER SYNDROME; Cutis verticis gyrata, retinitis pigmentosa, and sensorineural deafness. Identifiers: Orphanet 193, MedGen C0265223, MONDO:0008999, OMIM 216550.

Submissions (2):

Labcorp Genetics (formerly Invitae), Labcorp
Classification: Uncertain significance for Cohen syndrome. Last evaluated: 2022-11-29. Review status: criteria provided, single submitter. Criteria: Invitae Variant Classification Sherloc (09022015). Collection method: clinical testing. Allele origin: germline.
Comment: In summary, the available evidence is currently insufficient to determine the role of this variant in disease. Therefore, it has been classified as a Variant of Uncertain Significance. Advanced modeling of protein sequence and biophysical properties (such as structural, functional, and spatial information, amino acid conservation, physicochemical variation, residue mobility, and thermodynamic stability) performed at Invitae indicates that this missense variant is expected to disrupt VPS13B protein function. ClinVar contains an entry for this variant (Variation ID: 1348728). This variant has not been reported in the literature in individuals affected with VPS13B-related conditions. This variant is not present in population databases (gnomAD no frequency). This sequence change replaces threonine, which is neutral and polar, with isoleucine, which is neutral and non-polar, at codon 2641 of the VPS13B protein (p.Thr2641Ile).

CeGaT Center for Human Genetics Tuebingen
Classification: Uncertain significance. Last evaluated: 2022-08-01. Review status: criteria provided, single submitter. Criteria: CeGaT Center For Human Genetics Tuebingen Variant Classification Criteria Version 2. Collection method: clinical testing. Allele origin: germline. Affected: yes. Observed: 1 variant allele.
Comment: VPS13B: PM2